The following is an entry in ClinVar:

ClinVar aggregate classification (germline): Uncertain significance. Review status: criteria provided, multiple submitters, no conflicts (2 of 4 stars). 8 submissions from 7 submitters: Uncertain significance (8). Last evaluated 2024-12-31.

Conditions:
WDR19-related disorder. Also called: WDR19-related condition; WDR19-related disorders. Identifiers: MedGen CN380161.
Cranioectodermal dysplasia 4 (CED4). Identifiers: Orphanet 1515, MedGen C3280616, MONDO:0013719, OMIM 614378.
Asphyxiating thoracic dystrophy 5 (SRTD5). Also called: SHORT-RIB THORACIC DYSPLASIA 5 WITH OR WITHOUT POLYDACTYLY; SHORT-RIB THORACIC DYSPLASIA 5 WITHOUT POLYDACTYLY. Identifiers: Orphanet 474, MedGen C3280598, MONDO:0013717, OMIM 614376.
Connective tissue disorder. Also called: Connective tissue disease. Identifiers: MedGen C0009782, MONDO:0003900.
Senior-Loken syndrome 8 (SLSN8). Identifiers: Orphanet 3156, MedGen C4225376, MONDO:0014579, OMIM 616307.
Inborn genetic diseases. Identifiers: MedGen C0950123, MeSH D030342.
Spermatogenic failure 72 (SPGF72). Identifiers: MedGen C5676980, MONDO:0030809, OMIM 619867.
Nephronophthisis 13 (NPHP13). Identifiers: Orphanet 655, MedGen C3280612, MONDO:0013718, OMIM 614377.

Allele frequency attached by ClinVar (database versions not stated): ESP Exome Variant Server 0.00008; ExAC 0.00009; gnomAD 0.00011; gnomAD exomes 0.00013 and 0.00025; TOPMed 0.00015.
gnomAD v4.1: 373 of 1,613,944 alleles (0.023%); highest among the groups gnomAD compares: Non-Finnish European, 0.03%; no homozygotes.

Submissions (8):

Labcorp Genetics (formerly Invitae), Labcorp
Classification: Uncertain significance for Senior-Loken syndrome 8; Asphyxiating thoracic dystrophy 5. Last evaluated: 2024-12-31. Review status: criteria provided, single submitter. Criteria: Invitae Variant Classification Sherloc (09022015). Collection method: clinical testing. Allele origin: germline.
Comment: This sequence change replaces alanine, which is neutral and non-polar, with glycine, which is neutral and non-polar, at codon 1228 of the WDR19 protein (p.Ala1228Gly). This variant is present in population databases (rs201051877, gnomAD 0.02%). This variant has not been reported in the literature in individuals affected with WDR19-related conditions. ClinVar contains an entry for this variant (Variation ID: 903472). Invitae Evidence Modeling of protein sequence and biophysical properties (such as structural, functional, and spatial information, amino acid conservation, physicochemical variation, residue mobility, and thermodynamic stability) indicates that this missense variant is not expected to disrupt WDR19 protein function with a negative predictive value of 80%. In summary, the available evidence is currently insufficient to determine the role of this variant in disease. Therefore, it has been classified as a Variant of Uncertain Significance.

Blueprint Genetics
Classification: Uncertain significance. Last evaluated: 2024-03-14. Review status: criteria provided, single submitter. Criteria: ACMG Guidelines, 2015. Collection method: clinical testing. Allele origin: germline.

PreventionGenetics, part of Exact Sciences
Classification: Uncertain significance for WDR19-related condition. Last evaluated: 2023-04-30. Review status: criteria provided, single submitter. Criteria: ACMG Guidelines, 2015. Collection method: clinical testing. Allele origin: germline.
Comment: The WDR19 c.3683C>G variant is predicted to result in the amino acid substitution p.Ala1228Gly. To our knowledge, this variant has not been reported in the literature. This variant is reported in 0.023% of alleles in individuals of European (Non-Finnish) descent in gnomAD. At this time, the clinical significance of this variant is uncertain due to the absence of conclusive functional and genetic evidence.

Ambry Genetics
Classification: Uncertain significance for Inborn genetic diseases. Last evaluated: 2023-02-16. Review status: criteria provided, single submitter. Criteria: Ambry Variant Classification Scheme 2023. Collection method: clinical testing. Allele origin: germline.

Fulgent Genetics
Classification: Uncertain significance for Asphyxiating thoracic dystrophy 5; Nephronophthisis 13; Cranioectodermal dysplasia 4; Senior-Loken syndrome 8; Spermatogenic failure 72. Last evaluated: 2022-03-16. Review status: criteria provided, single submitter. Criteria: ACMG Guidelines, 2015. Collection method: clinical testing. Allele origin: unknown.

Genome Diagnostics Laboratory, The Hospital for Sick Children
Classification: Uncertain significance for Connective tissue disorder. Last evaluated: 2019-08-01. Review status: criteria provided, single submitter. Criteria: ACMG Guidelines, 2015. Collection method: clinical testing. Allele origin: germline.

Illumina Laboratory Services, Illumina
Classification: Uncertain significance for Cranioectodermal dysplasia 4. Last evaluated: 2018-01-13. Review status: criteria provided, single submitter. Criteria: ICSL Variant Classification Criteria 13 December 2019. Collection method: clinical testing. Allele origin: germline.

Illumina Laboratory Services, Illumina
Classification: Uncertain significance for Asphyxiating thoracic dystrophy 5. Last evaluated: 2018-01-13. Review status: criteria provided, single submitter. Criteria: ICSL Variant Classification Criteria 13 December 2019. Collection method: clinical testing. Allele origin: germline.

NM_025132.4(WDR19):c.3683C>G (p.Ala1228Gly)

Gene: WDR19 (WD repeat domain 19; plus strand). Cytogenetic location: 4p14.
Variant type: single nucleotide variant.
Coding change: c.3683C>G on transcript NM_025132.4 (MANE Select); coding-DNA position 3683, C replaced by G.
Protein change: p.Ala1228Gly; replaces alanine 1228 with glycine.
Molecular consequence: missense variant.
Genome position (GRCh38, 1-based): chr4:39,274,925, C>G. VCF-style: chr4-39274925-C-G. GRCh37 (hg19) VCF-style: chr4-39276545-C-G.
Other names: c.3203C>G, p.Ala1068Gly (NM_001317924.2); short protein forms A1068G, A1228G.
Identifiers: ClinVar variation 903472 (VCV000903472.18), dbSNP rs201051877, ClinGen allele CA2892445.
Genomic context (GRCh38, chr4:39,274,925, plus strand): 5'-ACTCTGCTTTCAGCTTCGCAGCTATGTTGATGAGGCCTGAATACCGCAGCAAAATAGATG[C>G]CAAATACAAAAAGAAGATCGAGGGAATGGTCAGGTAGGCAGAGATGGCTATTTCTGCTAT-3'
Protein context (NP_079408.3, residues 1218-1238): MRPEYRSKID[Ala1228Gly]KYKKKIEGMV